The following is an entry in ClinVar:

NM_001004334.4(GPR179):c.4277C>G (p.Ser1426Cys)

Gene: GPR179 (G protein-coupled receptor 179; minus strand). Cytogenetic location: 17q12.
Variant type: single nucleotide variant.
Coding change: c.4277C>G on transcript NM_001004334.4 (MANE Select); coding-DNA position 4277, C replaced by G.
Protein change: p.Ser1426Cys; replaces serine 1426 with cysteine.
Molecular consequence: missense variant.
Genome position (GRCh38, 1-based): chr17:38,329,292, G>C on the plus strand (C>G on the coding strand, the complement: GPR179 is on the minus strand). VCF-style: chr17-38329292-G-C. GRCh37 (hg19) VCF-style: chr17-36485175-G-C.
Other names: short protein forms S1426C.
Identifiers: ClinVar variation 1038706 (VCV001038706.6), dbSNP rs763035455, ClinGen allele CA290104288.

ClinVar aggregate classification (germline): Uncertain significance (1 of 4 stars; one submission).

Allele frequency attached by ClinVar (database versions not stated): gnomAD exomes 0.00001 and 0.00002; ExAC 0.00003; TOPMed 0.00006; gnomAD 0.00009 and 0.00010.
gnomAD v4.1: 21 of 1,612,872 alleles (0.0013%); highest among the groups gnomAD compares: African/African-American, 0.024%; no homozygotes.

Submission:

Labcorp Genetics (formerly Invitae), Labcorp
Classification: Uncertain significance. Last evaluated: 2022-10-17. Review status: criteria provided, single submitter. Criteria: Invitae Variant Classification Sherloc (09022015). Collection method: clinical testing. Allele origin: germline.
Comment: This sequence change replaces serine, which is neutral and polar, with cysteine, which is neutral and slightly polar, at codon 1426 of the GPR179 protein (p.Ser1426Cys). This variant is present in population databases (rs763035455, gnomAD 0.03%). This variant has not been reported in the literature in individuals affected with GPR179-related conditions. ClinVar contains an entry for this variant (Variation ID: 1038706). Algorithms developed to predict the effect of missense changes on protein structure and function are either unavailable or do not agree on the potential impact of this missense change (SIFT: "Deleterious"; PolyPhen-2: "Probably Damaging"; Align-GVGD: "Class C0"). In summary, the available evidence is currently insufficient to determine the role of this variant in disease. Therefore, it has been classified as a Variant of Uncertain Significance.